The following is an entry in ClinVar:

ClinVar aggregate classification (germline): Uncertain significance. Review status: criteria provided, multiple submitters, no conflicts (2 of 4 stars). 3 submissions from 3 submitters: Uncertain significance (3). Last evaluated 2025-05-26.

Conditions:
Autosomal recessive limb-girdle muscular dystrophy type 2Q (LGMDR17). Also called: MUSCULAR DYSTROPHY, LIMB-GIRDLE, AUTOSOMAL RECESSIVE 17. Identifiers: Orphanet 254361, MedGen C3150989, MONDO:0013390, OMIM 613723.
Epidermolysis bullosa simplex, Ogna type (EBS5A). Also called: Pidermolysis bullosa simplex 5A, Ogna type; EPIDERMOLYSIS BULLOSA SIMPLEX 5A, OGNA TYPE. Identifiers: Orphanet 79401, MedGen C0432317, MONDO:0007555, OMIM 131950.
Epidermolysis bullosa simplex 5B, with muscular dystrophy (EBS5B). Also called: EPIDERMOLYSIS BULLOSA SIMPLEX AND LIMB-GIRDLE MUSCULAR DYSTROPHY; Epidermolysis bullosa simplex with muscular dystrophy. Identifiers: Orphanet 257, MedGen C2931072, MONDO:0009181, OMIM 226670.
Epidermolysis bullosa simplex 5C, with pyloric atresia (EBS5C). Also called: Epidermolysis bullosa simplex with pyloric atresia; PLEC-Related Epidermolysis Bullosa with Pyloric Atresia; PLEC1-Related Epidermolysis Bullosa with Pyloric Atresia. Identifiers: Orphanet 158684, MedGen C2677349, MONDO:0012807, OMIM 612138.
Epidermolysis bullosa simplex with nail dystrophy (EBS5D). Identifiers: MedGen C4225309, MONDO:0014661, OMIM 616487.
Inborn genetic diseases. Identifiers: MedGen C0950123, MeSH D030342.

Allele frequency attached by ClinVar (database versions not stated): gnomAD exomes 0.00001; ExAC 0.00002; gnomAD 0.00009; TOPMed 0.00010.
gnomAD v4.1: 28 of 1,612,228 alleles (0.0017%); highest among the groups gnomAD compares: African/African-American, 0.032%; no homozygotes.

Submissions (3):

Labcorp Genetics (formerly Invitae), Labcorp
Classification: Uncertain significance for Autosomal recessive limb-girdle muscular dystrophy type 2Q; Epidermolysis bullosa simplex, Ogna type; Epidermolysis bullosa simplex with nail dystrophy; Epidermolysis bullosa simplex 5C, with pyloric atresia; Epidermolysis bullosa simplex 5B, with muscular dystrophy. Last evaluated: 2025-05-26. Review status: criteria provided, single submitter. Criteria: Invitae Variant Classification Sherloc (09022015). Collection method: clinical testing. Allele origin: germline.
Comment: This sequence change replaces lysine, which is basic and polar, with arginine, which is basic and polar, at codon 4218 of the PLEC protein (p.Lys4218Arg). This variant is present in population databases (rs782075595, gnomAD 0.03%). This variant has not been reported in the literature in individuals affected with PLEC-related conditions. ClinVar contains an entry for this variant (Variation ID: 1518770). Invitae Evidence Modeling of protein sequence and biophysical properties (such as structural, functional, and spatial information, amino acid conservation, physicochemical variation, residue mobility, and thermodynamic stability) indicates that this missense variant is expected to disrupt PLEC protein function with a positive predictive value of 80%. In summary, the available evidence is currently insufficient to determine the role of this variant in disease. Therefore, it has been classified as a Variant of Uncertain Significance.

Ambry Genetics
Classification: Uncertain significance for Inborn genetic diseases. Last evaluated: 2023-03-20. Review status: criteria provided, single submitter. Criteria: Ambry Variant Classification Scheme 2023. Collection method: clinical testing. Allele origin: germline.

Revvity Omics, Revvity
Classification: Uncertain significance. Last evaluated: 2022-12-08. Review status: criteria provided, single submitter. Criteria: ACMG Guidelines, 2015. Collection method: clinical testing. Allele origin: germline.

NM_201384.3(PLEC):c.12572A>G (p.Lys4191Arg)

Gene: PLEC (plectin; minus strand). Cytogenetic location: 8q24.3.
Variant type: single nucleotide variant.
Coding change: c.12572A>G on transcript NM_201384.3 (MANE Select); coding-DNA position 12572, A replaced by G.
Protein change: p.Lys4191Arg; replaces lysine 4191 with arginine.
Molecular consequence: missense variant.
Genome position (GRCh38, 1-based): chr8:143,917,249, T>C on the plus strand (A>G on the coding strand, the complement: PLEC is on the minus strand). VCF-style: chr8-143917249-T-C. GRCh37 (hg19) VCF-style: chr8-144991417-T-C.
Other names: c.12653A>G (NM_000445.3); c.12653A>G, p.Lys4218Arg (NM_000445.5); c.12530A>G, p.Lys4177Arg (NM_201378.4); c.12506A>G, p.Lys4169Arg (NM_201379.3); c.12983A>G, p.Lys4328Arg (NM_201380.4); c.12476A>G, p.Lys4159Arg (NM_201381.3); c.12572A>G, p.Lys4191Arg (NM_201382.4); c.12584A>G, p.Lys4195Arg (NM_201383.3); short protein forms K4169R, K4191R, K4195R, K4159R, K4177R, K4218R, K4328R.
Identifiers: ClinVar variation 1518770 (VCV001518770.12), dbSNP rs782075595, ClinGen allele CA4924050.